The following is an entry in ClinVar:

ClinVar aggregate classification (germline): Uncertain significance. Review status: criteria provided, single submitter (1 of 4 stars). 2 submissions from 2 submitters: Uncertain significance (1). 1 of the submissions does not count toward it. Last evaluated 2023-05-08.

Conditions:
TBX3-related disorder. Also called: TBX3-related condition.

Submissions (2):

Blueprint Genetics
Classification: Uncertain significance. Last evaluated: 2023-05-08. Review status: criteria provided, single submitter. Criteria: ACMG Guidelines, 2015. Collection method: clinical testing. Allele origin: germline.

PreventionGenetics, part of Exact Sciences
Classification: Uncertain significance for TBX3-related condition. Last evaluated: 2024-06-26. Review status: no assertion criteria provided. Collection method: clinical testing. Allele origin: germline. Not counted in ClinVar's aggregate classification.
Comment: The TBX3 c.1123A>C variant is predicted to result in the amino acid substitution p.Ser375Arg. To our knowledge, this variant has not been reported in the literature or in a large population database, indicating this variant is rare. At this time, the clinical significance of this variant is uncertain due to the absence of conclusive functional and genetic evidence.

NM_005996.4(TBX3):c.1063A>C (p.Ser355Arg)

Gene: TBX3 (T-box transcription factor 3; minus strand). Cytogenetic location: 12q24.21.
Variant type: single nucleotide variant.
Coding change: c.1063A>C on transcript NM_005996.4 (MANE Select); coding-DNA position 1063, A replaced by C.
Protein change: p.Ser355Arg; replaces serine 355 with arginine.
Molecular consequence: missense variant.
Genome position (GRCh38, 1-based): chr12:114,674,812, T>G on the plus strand (A>C on the coding strand, the complement: TBX3 is on the minus strand). VCF-style: chr12-114674812-T-G. GRCh37 (hg19) VCF-style: chr12-115112617-T-G.
Other names: c.1123A>C, p.Ser375Arg (NM_016569.4); short protein forms S355R, S375R.
Identifiers: ClinVar variation 3353496 (VCV003353496.2).